The following is an entry in ClinVar:

NM_000051.4(ATM):c.8582T>C (p.Ile2861Thr)

Genes: ATM (ATM serine/threonine kinase; plus strand), C11orf65 (chromosome 11 open reading frame 65; minus strand). Cytogenetic location: 11q22.3.
Variant type: single nucleotide variant.
Coding change: c.8582T>C on transcript NM_000051.4 (MANE Select); coding-DNA position 8582, T replaced by C.
Protein change: p.Ile2861Thr; replaces isoleucine 2861 with threonine.
Molecular consequence: missense variant. On other transcripts: intron variant (2).
Genome position (GRCh38, 1-based): chr11:108,345,906, T>C. VCF-style: chr11-108345906-T-C. GRCh37 (hg19) VCF-style: chr11-108216633-T-C.
Other names: c.8582T>C, p.Ile2861Thr (NM_001351834.2); c.641-36835A>G (NM_001330368.2); c.695-10614A>G (NM_001351110.2); short protein forms I2861T.
Identifiers: ClinVar variation 1184266 (VCV001184266.10), dbSNP rs2137038745, ClinGen allele CA382518786.

ClinVar aggregate classification (germline): Uncertain significance. Review status: criteria provided, multiple submitters, no conflicts (2 of 4 stars). 4 submissions from 3 submitters: Uncertain significance (2). 2 of the submissions do not count toward it. Last evaluated 2024-06-05.

Conditions:
Ataxia-telangiectasia syndrome (AT). Also called: LOUIS-BAR SYNDROME; Cerebello-oculocutaneous telangiectasia; Immunodeficiency with ataxia telangiectasia; Ataxia-telangiectasia, complementation group D; AT, COMPLEMENTATION GROUP C; ATAXIA-TELANGIECTASIA, COMPLEMENTATION GROUP A. Identifiers: Orphanet 100, MedGen C0004135, MONDO:0008840, OMIM 208900.
Breast carcinoma. Also called: Carcinoma of breast. Identifiers: MedGen C0678222, MONDO:0004989, HP:0003002.
Multifocal breast carcinoma. Identifiers: MedGen C2986662, HP:0006625.

Submissions (4):

Labcorp Genetics (formerly Invitae), Labcorp
Classification: Uncertain significance for Ataxia-telangiectasia syndrome. Last evaluated: 2024-06-05. Review status: criteria provided, single submitter. Criteria: Invitae Variant Classification Sherloc (09022015). Collection method: clinical testing. Allele origin: germline.
Comment: This sequence change replaces isoleucine, which is neutral and non-polar, with threonine, which is neutral and polar, at codon 2861 of the ATM protein (p.Ile2861Thr). This variant is not present in population databases (gnomAD no frequency). This variant has not been reported in the literature in individuals affected with ATM-related conditions. ClinVar contains an entry for this variant (Variation ID: 1184266). An algorithm developed to predict the effect of missense changes on protein structure and function (PolyPhen-2) suggests that this variant is likely to be disruptive. In summary, the available evidence is currently insufficient to determine the role of this variant in disease. Therefore, it has been classified as a Variant of Uncertain Significance.

GeneDx
Classification: Uncertain significance. Last evaluated: 2024-04-23. Review status: criteria provided, single submitter. Criteria: GeneDx Variant Classification Process June 2021. Collection method: clinical testing. Allele origin: germline. Affected: yes.
Comment: Not observed at significant frequency in large population cohorts (gnomAD); In silico analysis supports that this missense variant has a deleterious effect on protein structure/function; This variant is associated with the following publications: (PMID: 36243179, 23532176, 15279808, 30287823, 34637943)

Medical Genetics Laboratory, Umraniye Training and Research Hospital, University of Health Sciences
Classification: Likely pathogenic for Breast carcinoma. Last evaluated: 2021-08-18. Review status: no assertion criteria provided. Collection method: clinical testing. Allele origin: germline. Affected: yes. Observed: 1 variant allele, 1 heterozygote. Not counted in ClinVar's aggregate classification.
Comment: Invasive Ductal Carcinoma

Medical Genetics Laboratory, Umraniye Training and Research Hospital, University of Health Sciences
Classification: Likely pathogenic for Multifocal breast carcinoma. Last evaluated: 2021-07-21. Review status: no assertion criteria provided. Collection method: clinical testing. Allele origin: germline. Inheritance: Autosomal dominant inheritance. Affected: yes. Observed: 1 variant allele, 1 heterozygote. Not counted in ClinVar's aggregate classification.
Comment: Diagnosis: Triple Negative Bilateral Breast Cancer Pathology: Invasive Lobular Ca IHC: ER+, PR %1, HER2(Scor2), CK+, Ecaderin- KI67:%30